The following is an entry in ClinVar:

NM_000238.4(KCNH2):c.916+8C>A

Gene: KCNH2 (potassium voltage-gated channel subfamily H member 2; minus strand). Cytogenetic location: 7q36.1.
Variant type: single nucleotide variant.
Coding change: c.916+8C>A on transcript NM_000238.4 (MANE Select); 8 bases into the intron after coding-DNA position 916, C replaced by A.
Molecular consequence: intron variant.
Genome position (GRCh38, 1-based): chr7:150,958,051, G>T on the plus strand (C>A on the coding strand, the complement: KCNH2 is on the minus strand). VCF-style: chr7-150958051-G-T. GRCh37 (hg19) VCF-style: chr7-150655139-G-T.
Other names: c.628+8C>A (NM_001406753.1, NM_001406756.1); c.916+8C>A (NM_172056.3); c.739+8C>A (NM_001406755.1); c.616+8C>A (NM_001406757.1).
Identifiers: ClinVar variation 386538 (VCV000386538.3), dbSNP rs1057522524, ClinGen allele CA16605280.

ClinVar aggregate classification (germline): Likely benign (1 of 4 stars; one submission).

Allele frequency attached by ClinVar (database versions not stated): gnomAD exomes below 0.00001.

Submission:

GeneDx
Classification: Likely benign. Last evaluated: 2016-05-26. Review status: criteria provided, single submitter. Criteria: GeneDx Variant Classification (06012015). Collection method: clinical testing. Allele origin: germline. Affected: yes.
Comment: This variant is considered likely benign or benign based on one or more of the following criteria: it is a conservative change, it occurs at a poorly conserved position in the protein, it is predicted to be benign by multiple in silico algorithms, and/or has population frequency not consistent with disease.